The following is an entry in ClinVar:

NC_000004.11:g.(?_532922)_(533158_?)del

Gene: PIGG (phosphatidylinositol glycan anchor biosynthesis class G (EMM blood group); plus strand). Cytogenetic location: 4p16.3.
Variant type: Deletion.
Identifiers: ClinVar variation 2423738 (VCV002423738.5).

ClinVar aggregate classification (germline): Uncertain significance (1 of 4 stars; one submission).

Conditions:
Intellectual disability, autosomal recessive 53 (NEDHSCA). Also called: GLYCOSYLPHOSPHATIDYLINOSITOL BIOSYNTHESIS DEFECT 13; Mental retardation, autosomal recessive 53; NEURODEVELOPMENTAL DISORDER WITH OR WITHOUT HYPOTONIA, SEIZURES, AND CEREBELLAR ATROPHY. Identifiers: Orphanet 488635, MedGen C4310794, MONDO:0014832, OMIM 616917.

Submission:

Labcorp Genetics (formerly Invitae), Labcorp
Classification: Uncertain significance for Intellectual disability, autosomal recessive 53. Last evaluated: 2021-12-18. Review status: criteria provided, single submitter. Criteria: Invitae Variant Classification Sherloc (09022015). Collection method: clinical testing. Allele origin: germline.
Comment: This variant is a gross deletion of the genomic region encompassing exon(s) 13 of the PIGG gene, which includes the termination codon. This deletion extends beyond the assayed region for this gene and therefore may encompass additional genes. While this deletion is not anticipated to lead to nonsense mediated decay, it is expected to alter mRNA translation or result in a truncated protein product. This variant has not been reported in the literature in individuals affected with PIGG-related conditions. In summary, the available evidence is currently insufficient to determine the role of this variant in disease. Therefore, it has been classified as a Variant of Uncertain Significance.